The following is an entry in ClinVar:

NM_001370595.2(COA8):c.433G>A (p.Glu145Lys)

Gene: COA8 (cytochrome c oxidase assembly factor 8; plus strand). Cytogenetic location: 14q32.33.
Variant type: single nucleotide variant.
Coding change: c.433G>A on transcript NM_001370595.2 (MANE Select); coding-DNA position 433, G replaced by A.
Protein change: p.Glu145Lys; replaces glutamic acid 145 with lysine.
Molecular consequence: missense variant. On other transcripts: non-coding transcript variant (2).
Genome position (GRCh38, 1-based): chr14:103,587,321, G>A. VCF-style: chr14-103587321-G-A. GRCh37 (hg19) VCF-style: chr14-104053658-G-A.
Other names: c.521G>A, p.Gly174Glu (NM_001302653.2); short protein forms E145K, G174E.
Identifiers: ClinVar variation 1681870 (VCV001681870.7), dbSNP rs562472810, ClinGen allele CA7365611.
Genomic context (GRCh38, chr14:103,587,321, plus strand): 5'-AATTACCTTTCAGGTCAGAAAGCAACATTGAATGCAGAAGAAATGGCGGACTTCTACAAG[G>A]AATTTTTAAGTAAAAATTTTCAGAAGCACATGTATTATAACAGGTAGGTGTTTACTCTTT-3'
Protein context (NP_001357524.1, residues 135-155): NAEEMADFYK[Glu145Lys]FLSKNFQKHM

ClinVar aggregate classification (germline): Uncertain significance. Review status: criteria provided, multiple submitters, no conflicts (2 of 4 stars). 2 submissions from 2 submitters: Uncertain significance (2). Last evaluated 2023-08-10.

Conditions:
Mitochondrial complex IV deficiency, nuclear type 17. Also called: Mitochondrial complex 4 deficiency, nuclear type 17. Identifiers: MedGen C5436718, MONDO:0033652, OMIM 619061.

Allele frequency attached by ClinVar (database versions not stated): gnomAD 0.00002 and 0.00004; TOPMed 0.00003; gnomAD exomes 0.00007; ExAC 0.00009; 1000 Genomes Project 30x 0.00016; 1000 Genomes Project 0.00020.
gnomAD v4.1: 109 of 1,613,194 alleles (0.0068%); highest among the groups gnomAD compares: Middle Eastern, 0.083%; 2 homozygotes.

Submissions (2):

Labcorp Genetics (formerly Invitae), Labcorp
Classification: Uncertain significance. Last evaluated: 2023-08-10. Review status: criteria provided, single submitter. Criteria: Invitae Variant Classification Sherloc (09022015). Collection method: clinical testing. Allele origin: germline.
Comment: This sequence change replaces glutamic acid, which is acidic and polar, with lysine, which is basic and polar, at codon 158 of the APOPT1 protein (p.Glu158Lys). This variant is present in population databases (rs562472810, gnomAD 0.04%). This missense change has been observed in individual(s) with mitochondrial complex IV deficiency (PMID: 30724636). ClinVar contains an entry for this variant (Variation ID: 1681870). An algorithm developed to predict the effect of missense changes on protein structure and function (PolyPhen-2) suggests that this variant¬†is likely to be tolerated. In summary, the available evidence is currently insufficient to determine the role of this variant in disease. Therefore, it has been classified as a Variant of Uncertain Significance.

Fulgent Genetics
Classification: Uncertain significance for Mitochondrial complex IV deficiency, nuclear type 17. Last evaluated: 2022-05-19. Review status: criteria provided, single submitter. Criteria: ACMG Guidelines, 2015. Collection method: clinical testing. Allele origin: unknown.

Literature cited by the submitters: PubMed 30724636 (cited by Labcorp Genetics (formerly Invitae), Labcorp).